The following is an entry in ClinVar:

ClinVar aggregate classification (germline): Conflicting classifications of pathogenicity. Review status: criteria provided, conflicting classifications (1 of 4 stars). 2 submissions from 2 submitters: Likely pathogenic (1); Uncertain significance (1). Last evaluated 2022-07-28.

Conditions:
Hypertrophic cardiomyopathy. Also called: HYPERTROPHIC MYOCARDIOPATHY. Identifiers: Orphanet 217569, MedGen C0007194, MeSH D002312, MONDO:0005045, HP:0001639.

Submissions (2):

Labcorp Genetics (formerly Invitae), Labcorp
Classification: Uncertain significance for Hypertrophic cardiomyopathy. Last evaluated: 2022-07-28. Review status: criteria provided, single submitter. Criteria: Invitae Variant Classification Sherloc (09022015). Collection method: clinical testing. Allele origin: germline.
Comment: This missense change has been observed in individual(s) with clinical features of MYH7-related conditions (PMID: 25611685, 27532257). This variant is not present in population databases (gnomAD no frequency). This sequence change replaces arginine, which is basic and polar, with lysine, which is basic and polar, at codon 169 of the MYH7 protein (p.Arg169Lys). Algorithms developed to predict the effect of missense changes on protein structure and function are either unavailable or do not agree on the potential impact of this missense change (SIFT: "Deleterious"; PolyPhen-2: "Probably Damaging"; Align-GVGD: "Class C0"). In summary, the available evidence is currently insufficient to determine the role of this variant in disease. Therefore, it has been classified as a Variant of Uncertain Significance. Algorithms developed to predict the effect of sequence changes on RNA splicing suggest that this variant may disrupt the consensus splice site. ClinVar contains an entry for this variant (Variation ID: 43054).

Laboratory for Molecular Medicine, Mass General Brigham Personalized Medicine
Classification: Likely pathogenic for Hypertrophic cardiomyopathy. Last evaluated: 2022-06-08. Review status: criteria provided, single submitter. Criteria: ACMG Guidelines, 2015. Collection method: clinical testing. Allele origin: germline. Inheritance: Autosomal dominant inheritance.
Comment: proposed classification - variant undergoing re-assessment, contact laboratory

Literature cited by the submitters: PubMed 25611685 (cited by Labcorp Genetics (formerly Invitae), Labcorp); PubMed 27532257 (cited by Labcorp Genetics (formerly Invitae), Labcorp); PubMed 23074333 (cited by Laboratory for Molecular Medicine, Mass General Brigham Personalized Medicine); PubMed 27247418 (cited by Laboratory for Molecular Medicine, Mass General Brigham Personalized Medicine); PubMed 21310275 (cited by Laboratory for Molecular Medicine, Mass General Brigham Personalized Medicine).

NM_000257.4(MYH7):c.506G>A (p.Arg169Lys)

Gene: MYH7 (myosin heavy chain 7; minus strand). Cytogenetic location: 14q11.2.
Variant type: single nucleotide variant.
Coding change: c.506G>A on transcript NM_000257.4 (MANE Select); coding-DNA position 506, G replaced by A.
Protein change: p.Arg169Lys; replaces arginine 169 with lysine.
Molecular consequence: missense variant.
Genome position (GRCh38, 1-based): chr14:23,432,503, C>T on the plus strand (G>A on the coding strand, the complement: MYH7 is on the minus strand). VCF-style: chr14-23432503-C-T. GRCh37 (hg19) VCF-style: chr14-23901712-C-T.
Other names: short protein forms R169K.
Identifiers: ClinVar variation 43054 (VCV000043054.11), dbSNP rs397516237, ClinGen allele CA015645.